The following is an entry in ClinVar:

NM_001039141.3(TRIOBP):c.4333A>G (p.Arg1445Gly)

Gene: TRIOBP (TRIO and F-actin binding protein; plus strand). Cytogenetic location: 22q13.1.
Variant type: single nucleotide variant.
Coding change: c.4333A>G on transcript NM_001039141.3 (MANE Select); coding-DNA position 4333, A replaced by G.
Protein change: p.Arg1445Gly; replaces arginine 1445 with glycine.
Molecular consequence: missense variant.
Genome position (GRCh38, 1-based): chr22:37,734,669, A>G. VCF-style: chr22-37734669-A-G. GRCh37 (hg19) VCF-style: chr22-38130676-A-G.
Other names: short protein forms R1445G.
Identifiers: ClinVar variation 43857 (VCV000043857.27), dbSNP rs199640717, ClinGen allele CA133038.

ClinVar aggregate classification (germline): Benign/Likely benign. Review status: criteria provided, multiple submitters, no conflicts (2 of 4 stars). 7 submissions from 7 submitters: Benign (4); Likely benign (2). 1 of the submissions does not count toward it. Last evaluated 2025-12-23.

Conditions:
TRIOBP-related disorder. Also called: TRIOBP-related condition.

Allele frequency attached by ClinVar (database versions not stated): 1000 Genomes Project 0.00080; 1000 Genomes Project 30x 0.00094; ESP Exome Variant Server 0.00122; gnomAD exomes 0.00175 and 0.00313; gnomAD 0.00206 and 0.00225; TOPMed 0.00234; ExAC 0.00269.
gnomAD v4.1: 4,838 of 1,601,028 alleles (0.3%); highest among the groups gnomAD compares: Non-Finnish European, 0.37%; 13 homozygotes.

Submissions (7):

Labcorp Genetics (formerly Invitae), Labcorp
Classification: Benign. Last evaluated: 2025-12-23. Review status: criteria provided, single submitter. Criteria: Invitae Variant Classification Sherloc (09022015). Collection method: clinical testing. Allele origin: germline.

CeGaT Center for Human Genetics Tuebingen
Classification: Likely benign. Last evaluated: 2025-12-01. Review status: criteria provided, single submitter. Criteria: CeGaT Center For Human Genetics Tuebingen Variant Classification Criteria Version 2. Collection method: clinical testing. Allele origin: germline. Affected: yes. Observed: 2 variant alleles.
Comment: TRIOBP: BP4, BS2

Blueprint Genetics
Classification: Likely benign. Last evaluated: 2024-11-22. Review status: criteria provided, single submitter. Criteria: ACMG Guidelines, 2015. Collection method: clinical testing. Allele origin: germline.

GeneDx
Classification: Benign. Last evaluated: 2020-03-26. Review status: criteria provided, single submitter. Criteria: GeneDx Variant Classification Process June 2021. Collection method: clinical testing. Allele origin: germline. Affected: yes.

Laboratory for Molecular Medicine, Mass General Brigham Personalized Medicine
Classification: Benign. Last evaluated: 2015-07-14. Review status: criteria provided, single submitter. Criteria: LMM Criteria. Collection method: clinical testing. Allele origin: germline. Observed: 11 variant alleles.
Comment: p.Arg1445Gly in exon 9 of TRIOBP: This variant is not expected to have clinical significance because it is has been identified in 0.4% (122/27370) of European c hromosomes by the Exome Aggregation Consortium (ExAC .org; dbSNP rs199640717).

Breakthrough Genomics
Classification: Benign. Review status: criteria provided, single submitter. Criteria: ACMG Guidelines, 2015. Collection method: not provided. Allele origin: germline. Inheritance: Autosomal recessive inheritance. Affected: yes.

PreventionGenetics, part of Exact Sciences
Classification: Likely benign for TRIOBP-related condition. Last evaluated: 2021-08-19. Review status: no assertion criteria provided. Collection method: clinical testing. Allele origin: germline. Not counted in ClinVar's aggregate classification.
Comment: This variant is classified as likely benign based on ACMG/AMP sequence variant interpretation guidelines (Richards et al. 2015 PMID: 25741868, with internal and published modifications).